The following is an entry in ClinVar:

ClinVar aggregate classification (germline): Benign/Likely benign. Review status: criteria provided, multiple submitters, no conflicts (2 of 4 stars). 7 submissions from 7 submitters: Benign (2); Likely benign (4). 1 of the submissions does not count toward it. Last evaluated 2024-11-21.

Conditions:
Polycystic kidney disease, adult type (PKD1). Also called: Polycystic Kidney Disease 1, Autosomal Dominant; Polycystic kidney disease 1; Polycystic kidney disease 1, severe; POLYCYSTIC KIDNEY DISEASE 1 WITH OR WITHOUT POLYCYSTIC LIVER DISEASE; Polycystic Kidney, Autosomal Dominant; POLYCYSTIC KIDNEY DISEASE, ADULT, TYPE I. Identifiers: MedGen C3149841, MONDO:0008263, OMIM 173900.
Polycystic kidney disease. Also called: Polycystic kidney dysplasia; Kidney, Polycystic. Identifiers: MedGen C0022680, MeSH D007690, MONDO:0020642, HP:0000113.

Allele frequency attached by ClinVar (database versions not stated): 1000 Genomes Project 30x 0.00094; 1000 Genomes Project 0.00100; gnomAD 0.00137 and 0.00139; TOPMed 0.00140; ESP Exome Variant Server 0.00147; gnomAD exomes 0.00152 and 0.00188; ExAC 0.00442.
gnomAD v4.1: 2,823 of 1,560,680 alleles (0.18%); highest among the groups gnomAD compares: Non-Finnish European, 0.22%; 4 homozygotes.

Submissions (7):

Blueprint Genetics
Classification: Likely benign. Last evaluated: 2024-11-21. Review status: criteria provided, single submitter. Criteria: ACMG Guidelines, 2015. Collection method: clinical testing. Allele origin: germline.

Women's Health and Genetics/Laboratory Corporation of America, LabCorp
Classification: Benign. Last evaluated: 2023-05-25. Review status: criteria provided, single submitter. Criteria: LabCorp Variant Classification Summary - May 2015. Collection method: clinical testing. Allele origin: germline.

Fulgent Genetics
Classification: Likely benign for Polycystic kidney disease, adult type. Last evaluated: 2021-08-03. Review status: criteria provided, single submitter. Criteria: ACMG Guidelines, 2015. Collection method: clinical testing. Allele origin: unknown.

GeneDx
Classification: Likely benign. Last evaluated: 2021-04-19. Review status: criteria provided, single submitter. Criteria: GeneDx Variant Classification Process June 2021. Collection method: clinical testing. Allele origin: germline. Affected: yes.
Comment: This variant is associated with the following publications: (PMID: 10987650, 22383692, 17574468)

ARUP Laboratories, Molecular Genetics and Genomics, ARUP Laboratories
Classification: Benign for Polycystic kidney disease, adult type. Last evaluated: 2019-01-06. Review status: criteria provided, single submitter. Criteria: ARUP Molecular Germline Variant Investigation Process. Collection method: clinical testing. Allele origin: germline.

PreventionGenetics, part of Exact Sciences
Classification: Likely benign. Review status: criteria provided, single submitter. Criteria: ACMG Guidelines, 2015. Collection method: clinical testing. Allele origin: germline.

Department of Pathology and Laboratory Medicine, Sinai Health System
Classification: Likely benign for Polycystic Kidney disease. Review status: no assertion criteria provided. Collection method: clinical testing. Allele origin: unknown. Affected: yes. Observed: 1 variant allele. Study: The Canadian Open Genetics Repository (COGR). Not counted in ClinVar's aggregate classification.
Comment: The PKD1 c.11538-11C>T variant was identified in 5 of 916 proband chromosomes (frequency: 0.005) from French and North American individuals or families with ADPKD (Garcia-Gonzalez 2007, Perrichot 1999, Rossetti 2012). The variant was also identified in dbSNP (ID: rs377692278) â€šÃ„ÃºWith Likely benign alleleâ€šÃ„Ã¹, ClinVar (classified likely benign by Prevention Genetics), and ADPKD Mutation Database (as likely neutral), but was not identified in COGR, and PKD1-LOVD databases. The variant was identified in control databases in 286 of 199042 chromosomes at a frequency of 0.001 increasing the likelihood this could be a low frequency benign variant (Genome Aggregation Consortium Feb 27, 2017). Breakdown of the observations by population include African in 8 of 18176 chromosomes (freq: 0.0004), European Non-Finnish in 223 of 188344 chromosomes (freq: 0.003), South Asian in 9 of 24676 chromosomes (freq: 0.0004), Other in 8 of 5104 chromosomes (freq: 0.002), Latino in 26 of 28456 chromosomes (freq: 0.0009), East Asian in 1 of 15360 chromosomes (freq: 0.00007), and European Finnish in 11 of 10842 chromosomes (freq: 0.001); it was not observed in the Ashkenazi Jewish population. The variant occurs outside of the splicing consensus sequence and in silico or computational prediction software programs (SpliceSiteFinder, MaxEntScan, NNSPLICE, GeneSplicer, HumanSpliceFinder) do not predict a difference in splicing. In summary, based on the above information the clinical significance of this variant cannot be determined with certainty at this time although we would lean towards a more benign role for this variant. This variant is classified as likely benign.

NM_001009944.3(PKD1):c.11538-11C>T

Genes: PKD1 (polycystin 1, transient receptor potential channel interacting; minus strand), PKD1-AS1 (PKD1 antisense RNA 1; plus strand). Cytogenetic location: 16p13.3.
Variant type: single nucleotide variant.
Coding change: c.11538-11C>T on transcript NM_001009944.3 (MANE Select); 11 bases into the intron before coding-DNA position 11538, C replaced by T.
Molecular consequence: intron variant. On other transcripts: non-coding transcript variant (1).
Genome position (GRCh38, 1-based): chr16:2,091,608, G>A on the plus strand (C>T on the coding strand, the complement: PKD1 is on the minus strand). VCF-style: chr16-2091608-G-A. GRCh37 (hg19) VCF-style: chr16-2141609-G-A.
Other names: c.11535-11C>T (NM_000296.4).
Identifiers: ClinVar variation 256905 (VCV000256905.15), dbSNP rs377692278, ClinGen allele CA7829048.